The following is an entry in ClinVar:

NM_001384140.1(PCDH15):c.1568G>C (p.Arg523Thr)

Gene: PCDH15 (protocadherin related 15; minus strand). Cytogenetic location: 10q21.1.
Variant type: single nucleotide variant.
Coding change: c.1568G>C on transcript NM_001384140.1 (MANE Select); coding-DNA position 1568, G replaced by C.
Protein change: p.Arg523Thr; replaces arginine 523 with threonine.
Molecular consequence: missense variant.
Genome position (GRCh38, 1-based): chr10:54,183,466, C>G on the plus strand (G>C on the coding strand, the complement: PCDH15 is on the minus strand). VCF-style: chr10-54183466-C-G. GRCh37 (hg19) VCF-style: chr10-55943226-C-G.
Other names: c.1583G>C, p.Arg528Thr (NM_001142763.2, NM_001142771.2); c.1568G>C, p.Arg523Thr (NM_001142764.2, NM_001142765.2, NM_001142766.2 and 6 more transcripts); c.1457G>C, p.Arg486Thr (NM_001142767.2); c.1502G>C, p.Arg501Thr (NM_001142768.2, NM_001142773.2, NM_001354404.2); c.1604G>C, p.Arg535Thr (NM_001142769.4); c.1589G>C, p.Arg530Thr (NM_001354411.2); short protein forms R486T, R501T, R523T, R528T, R530T, R535T.
Identifiers: ClinVar variation 1712916 (VCV001712916.2), dbSNP rs2048196285, ClinGen allele CA376514491.

ClinVar aggregate classification (germline): Uncertain significance (1 of 4 stars; one submission).

Submission:

GeneDx
Classification: Uncertain significance. Last evaluated: 2022-04-25. Review status: criteria provided, single submitter. Criteria: GeneDx Variant Classification Process June 2021. Collection method: clinical testing. Allele origin: germline. Affected: yes.
Comment: Not observed at significant frequency in large population cohorts (gnomAD); In silico analysis supports that this missense variant does not alter protein structure/function; Has not been previously published as pathogenic or benign to our knowledge